The following is an entry in ClinVar:

NM_001197104.2(KMT2A):c.9977C>G (p.Thr3326Ser)

Gene: KMT2A (lysine methyltransferase 2A; plus strand). Cytogenetic location: 11q23.3.
Variant type: single nucleotide variant.
Coding change: c.9977C>G on transcript NM_001197104.2 (MANE Select); coding-DNA position 9977, C replaced by G.
Protein change: p.Thr3326Ser; replaces threonine 3326 with serine.
Molecular consequence: missense variant.
Genome position (GRCh38, 1-based): chr11:118,505,869, C>G. VCF-style: chr11-118505869-C-G. GRCh37 (hg19) VCF-style: chr11-118376584-C-G.
Other names: c.10067C>G, p.Thr3356Ser (NM_001412597.1); c.9968C>G, p.Thr3323Ser (NM_005933.4); short protein forms T3323S, T3326S, T3356S.
Identifiers: ClinVar variation 5036883 (VCV005036883.1).

ClinVar aggregate classification (germline): Uncertain significance (1 of 4 stars; one submission).

Submission:

GeneDx
Classification: Uncertain significance. Last evaluated: 2026-04-13. Review status: criteria provided, single submitter. Criteria: GeneDx Variant Classification Process June 2021. Collection method: clinical testing. Allele origin: germline.
Comment: Not observed at significant frequency in large population cohorts (gnomAD); In silico analysis suggests that this missense variant does not alter protein structure/function; Has not been previously published as pathogenic or benign to our knowledge